The following is an entry in ClinVar:

NM_000059.4(BRCA2):c.6563A>G (p.Lys2188Arg)

Gene: BRCA2 (BRCA2 DNA repair associated; plus strand). Cytogenetic location: 13q13.1.
Variant type: single nucleotide variant.
Coding change: c.6563A>G on transcript NM_000059.4 (MANE Select); coding-DNA position 6563, A replaced by G.
Protein change: p.Lys2188Arg; replaces lysine 2188 with arginine.
Molecular consequence: missense variant.
Genome position (GRCh38, 1-based): chr13:32,340,918, A>G. VCF-style: chr13-32340918-A-G. GRCh37 (hg19) VCF-style: chr13-32915055-A-G.
Other names: c.6563A>G, p.Lys2188Arg (NM_001406719.1, NM_001406720.1); short protein forms K2188R.
Identifiers: ClinVar variation 1754213 (VCV001754213.4), dbSNP rs2548533620, ClinGen allele CA387789847.

ClinVar aggregate classification (germline): Conflicting classifications of pathogenicity. Review status: criteria provided, conflicting classifications (1 of 4 stars). 2 submissions from 2 submitters: Uncertain significance (1); Likely benign (1). Last evaluated 2023-03-23.

Conditions:
Hereditary cancer-predisposing syndrome. Also called: Neoplastic Syndromes, Hereditary; Tumor predisposition; Hereditary Cancer Syndrome; Hereditary neoplastic syndrome. Identifiers: Orphanet 140162, MedGen C0027672, MeSH D009386, MONDO:0015356.

Submissions (2):

University of Washington Department of Laboratory Medicine, University of Washington
Classification: Likely benign for Hereditary cancer-predisposing syndrome. Last evaluated: 2023-03-23. Review status: criteria provided, single submitter. Criteria: Dines et al. (Genet Med. 2020). Collection method: curation. Allele origin: germline.
Comment: Missense variant in a coldspot region where missense variants are very unlikely to be pathogenic (PMID:31911673).

BRCA2 exon 11 coldspot. Reclassification based on statistical prior probability.

Ambry Genetics
Classification: Uncertain significance for Hereditary cancer-predisposing syndrome. Last evaluated: 2021-10-15. Review status: criteria provided, single submitter. Criteria: Ambry Variant Classification Scheme 2023. Collection method: clinical testing. Allele origin: germline.
Comment: The p.K2188R variant (also known as c.6563A>G), located in coding exon 10 of the BRCA2 gene, results from an A to G substitution at nucleotide position 6563. The lysine at codon 2188 is replaced by arginine, an amino acid with highly similar properties. This amino acid position is not well conserved in available vertebrate species. In addition, this alteration is predicted to be tolerated by in silico analysis. Since supporting evidence is limited at this time, the clinical significance of this alteration remains unclear.